The following is an entry in ClinVar:

NM_001079843.3(CASZ1):c.1017C>T (p.Tyr339=)

Gene: CASZ1 (castor zinc finger 1; minus strand). Cytogenetic location: 1p36.22.
Variant type: single nucleotide variant.
Coding change: c.1017C>T on transcript NM_001079843.3 (MANE Select); coding-DNA position 1017, C replaced by T.
Protein change: p.Tyr339=; no amino-acid change (tyrosine 339 retained).
Molecular consequence: synonymous variant.
Genome position (GRCh38, 1-based): chr1:10,660,025, G>A on the plus strand (C>T on the coding strand, the complement: CASZ1 is on the minus strand). VCF-style: chr1-10660025-G-A. GRCh37 (hg19) VCF-style: chr1-10720082-G-A.
Other names: c.1017C>T, p.Tyr339= (NM_017766.5).
Identifiers: ClinVar variation 2080260 (VCV002080260.12), dbSNP rs771413322, ClinGen allele CA585263.
Genomic context (GRCh38, chr1:10,660,025, plus strand): 5'-CATGTCGGGGCTGCCCTCCCCGGGTTTGAAGAGGTGCAGGTACTTGACATTCTCCAGGTC[G>A]TACTTGGATGGCTTCTTGTAGGTGCTCCCGTTCTGGGGCCGCAGATTCTCGCCGGTCTTC-3'
Protein context (NP_001073312.1, residues 329-349): NGSTYKKPSK[Tyr339=]DLENVKYLHL

ClinVar aggregate classification (germline): Likely benign. Review status: criteria provided, multiple submitters, no conflicts (2 of 4 stars). 2 submissions from 2 submitters: Likely benign (2). Last evaluated 2025-08-01.

Allele frequency attached by ClinVar (database versions not stated): gnomAD 0.00003; TOPMed 0.00003; gnomAD exomes 0.00005; ExAC 0.00008.
gnomAD v4.1: 88 of 1,614,016 alleles (0.0055%); highest among the groups gnomAD compares: South Asian, 0.018%; 1 homozygote.

Submissions (2):

CeGaT Center for Human Genetics Tuebingen
Classification: Likely benign. Last evaluated: 2025-08-01. Review status: criteria provided, single submitter. Criteria: CeGaT Center For Human Genetics Tuebingen Variant Classification Criteria Version 2. Collection method: clinical testing. Allele origin: germline. Affected: yes. Observed: 1 variant allele.
Comment: CASZ1: BP4, BP7

Labcorp Genetics (formerly Invitae), Labcorp
Classification: Likely benign. Last evaluated: 2024-01-03. Review status: criteria provided, single submitter. Criteria: Invitae Variant Classification Sherloc (09022015). Collection method: clinical testing. Allele origin: germline.